The following is an entry in ClinVar:

ClinVar aggregate classification (germline): Benign. Review status: criteria provided, multiple submitters, no conflicts (2 of 4 stars). 3 submissions from 3 submitters: Benign (2). 1 of the submissions does not count toward it. Last evaluated 2019-12-31.

Conditions:
GEMIN4-related disorder. Also called: GEMIN4-related condition.

Allele frequency attached by ClinVar (database versions not stated): gnomAD exomes 0.00068 and 0.00172; ExAC 0.00204; 1000 Genomes Project 0.00639; 1000 Genomes Project 30x 0.00671; gnomAD 0.00716 and 0.00773; TOPMed 0.00788; ESP Exome Variant Server 0.00837.

Submissions (3):

Labcorp Genetics (formerly Invitae), Labcorp
Classification: Benign. Last evaluated: 2019-12-31. Review status: criteria provided, single submitter. Criteria: Invitae Variant Classification Sherloc (09022015). Collection method: clinical testing. Allele origin: germline.

Breakthrough Genomics
Classification: Benign. Review status: criteria provided, single submitter. Criteria: ACMG Guidelines, 2015. Collection method: not provided. Allele origin: germline. Inheritance: Autosomal recessive inheritance. Affected: yes.

PreventionGenetics, part of Exact Sciences
Classification: Benign for GEMIN4-related condition. Last evaluated: 2019-11-06. Review status: no assertion criteria provided. Collection method: clinical testing. Allele origin: germline. Not counted in ClinVar's aggregate classification.
Comment: This variant is classified as benign based on ACMG/AMP sequence variant interpretation guidelines (Richards et al. 2015 PMID: 25741868, with internal and published modifications).

NM_015721.3(GEMIN4):c.544T>C (p.Phe182Leu)

Gene: GEMIN4 (gem nuclear organelle associated protein 4; minus strand). Cytogenetic location: 17p13.3.
Variant type: single nucleotide variant.
Coding change: c.544T>C on transcript NM_015721.3 (MANE Select); coding-DNA position 544, T replaced by C.
Protein change: p.Phe182Leu; replaces phenylalanine 182 with leucine.
Molecular consequence: missense variant.
Genome position (GRCh38, 1-based): chr17:747,499, A>G on the plus strand (T>C on the coding strand, the complement: GEMIN4 is on the minus strand). VCF-style: chr17-747499-A-G. GRCh37 (hg19) VCF-style: chr17-650739-A-G.
Other names: short protein forms F182L.
Identifiers: ClinVar variation 712851 (VCV000712851.7), dbSNP rs34604548, ClinGen allele CA8262873.